The following is an entry in ClinVar:

NM_002691.4(POLD1):c.2624G>A (p.Arg875His)

Gene: POLD1 (DNA polymerase delta 1, catalytic subunit; plus strand). Cytogenetic location: 19q13.33.
Variant type: single nucleotide variant.
Coding change: c.2624G>A on transcript NM_002691.4 (MANE Select); coding-DNA position 2624, G replaced by A.
Protein change: p.Arg875His; replaces arginine 875 with histidine.
Molecular consequence: missense variant. On other transcripts: non-coding transcript variant (1).
Genome position (GRCh38, 1-based): chr19:50,415,497, G>A. VCF-style: chr19-50415497-G-A. GRCh37 (hg19) VCF-style: chr19-50918754-G-A.
Other names: c.2624G>A, p.Arg875His (NM_001256849.1); c.2702G>A, p.Arg901His (NM_001308632.1); c.2624G>A (NM_002691.2); short protein forms R875H, R901H.
Identifiers: ClinVar variation 565479 (VCV000565479.19), dbSNP rs754832710, ClinGen allele CA9596600.
Genomic context (GRCh38, chr19:50,415,497, plus strand): 5'-GAGACCCTGAGGGCGCGGTGGCTCACGCACAGGACGTCATCTCGGACCTGCTGTGCAACC[G>A]CATCGATATCTCCCAGCTGGTCATCACCAAGGAGCTGACCCGCGCGGCCTCCGACTATGC-3'
Protein context (NP_002682.2, residues 865-885): QDVISDLLCN[Arg875His]IDISQLVITK

ClinVar aggregate classification (germline): Uncertain significance. Review status: criteria provided, multiple submitters, no conflicts (2 of 4 stars). 5 submissions from 5 submitters: Uncertain significance (5). Last evaluated 2026-01-27.

Conditions:
Hereditary cancer-predisposing syndrome. Also called: Tumor predisposition; Neoplastic Syndromes, Hereditary; Hereditary Cancer Syndrome; Hereditary neoplastic syndrome. Identifiers: Orphanet 140162, MedGen C0027672, MeSH D009386, MONDO:0015356.
POLD1-related polyposis and colorectal cancer syndrome (CRCS10). Also called: Colorectal cancer 10; COLORECTAL CANCER, SUSCEPTIBILITY TO, ON CHROMOSOME 19q; Colorectal cancer, susceptibility to, 10. Identifiers: Orphanet 220460, MedGen C2675481, MONDO:0012953, OMIM 612591.

Allele frequency attached by ClinVar (database versions not stated): gnomAD exomes 0.00001 and 0.00002; ExAC 0.00004.
gnomAD v4.1: 9 of 1,613,336 alleles (0.00056%); highest among the groups gnomAD compares: Non-Finnish European, 0.00068%; no homozygotes.

Submissions (5):

Ambry Genetics
Classification: Uncertain significance for Hereditary cancer-predisposing syndrome. Last evaluated: 2026-01-27. Review status: criteria provided, single submitter. Criteria: Ambry Variant Classification Scheme 2023. Collection method: clinical testing. Allele origin: germline.
Comment: The p.R875H variant (also known as c.2624G>A), located in coding exon 20 of the POLD1 gene, results from a G to A substitution at nucleotide position 2624. The arginine at codon 875 is replaced by histidine, an amino acid with highly similar properties. This amino acid position is highly conserved in available vertebrate species. In addition, this alteration is predicted to be tolerated by in silico analysis. Based on the available evidence, the clinical significance of this variant remains unclear.

Labcorp Genetics (formerly Invitae), Labcorp
Classification: Uncertain significance for POLD1-related polyposis and colorectal cancer syndrome. Last evaluated: 2026-01-14. Review status: criteria provided, single submitter. Criteria: Invitae Variant Classification Sherloc (09022015). Collection method: clinical testing. Allele origin: germline.
Comment: This sequence change replaces arginine, which is basic and polar, with histidine, which is basic and polar, at codon 875 of the POLD1 protein (p.Arg875His). This variant is present in population databases (rs754832710, gnomAD 0.003%). This variant has not been reported in the literature in individuals affected with POLD1-related conditions. ClinVar contains an entry for this variant (Variation ID: 565479). Invitae Evidence Modeling of protein sequence and biophysical properties (such as structural, functional, and spatial information, amino acid conservation, physicochemical variation, residue mobility, and thermodynamic stability) has been performed for this missense variant. However, the output from this modeling did not meet the statistical confidence thresholds required to predict the impact of this variant on POLD1 protein function. In summary, the available evidence is currently insufficient to determine the role of this variant in disease. Therefore, it has been classified as a Variant of Uncertain Significance.

Center for Genomic Medicine, Rigshospitalet, Copenhagen University Hospital
Classification: Uncertain significance. Last evaluated: 2025-12-29. Review status: criteria provided, single submitter. Criteria: ACMG Guidelines, 2015. Collection method: clinical testing. Allele origin: germline.

Clinical Genetics Laboratory, Skane University Hospital Lund
Classification: Uncertain significance. Last evaluated: 2023-03-30. Review status: criteria provided, single submitter. Criteria: ACMG Guidelines, 2015. Collection method: clinical testing. Allele origin: germline. Affected: yes.

ARUP Laboratories, Molecular Genetics and Genomics, ARUP Laboratories
Classification: Uncertain significance. Last evaluated: 2023-01-06. Review status: criteria provided, single submitter. Criteria: ARUP Molecular Germline Variant Investigation Process 2024. Collection method: clinical testing. Allele origin: germline.
Comment: The POLD1 c.2624G>A; p.Arg875His variant (rs754832710), to our knowledge, is not reported in the medical literature but is reported in ClinVar (Variation ID: 565479). This variant is found in the general population with an overall allele frequency of 0.00160% (4/249,546 alleles) in the Genome Aggregation Database. Computational analyses are uncertain whether this variant is neutral or deleterious (REVEL: 0.207). This variant is not located in the exonuclease domain (Palles 2013), and gene-disease association has not been established for variants outside of the exonuclease domain (Seifert 2019). Due to limited information, the clinical significance of this variant is uncertain at this time. References: Palles C et al. Germline mutations affecting the proofreading domains of POLE and POLD1 predispose to colorectal adenomas and carcinomas. Nat Genet. 2013 Feb;45(2):136-44. PMID: 23263490. Seifert BA et al. Determining the clinical validity of hereditary colorectal cancer and polyposis susceptibility genes using the Clinical Genome Resource Clinical Validity Framework. Genet Med. 2019 Jul;21(7):1507-1516. PMID: 30523343.